The following is an entry in ClinVar:

ClinVar aggregate classification (germline): Uncertain significance (1 of 4 stars; one submission).

Conditions:
Hereditary cancer-predisposing syndrome. Also called: Hereditary Cancer Syndrome; Neoplastic Syndromes, Hereditary; Tumor predisposition; Hereditary neoplastic syndrome. Identifiers: Orphanet 140162, MedGen C0027672, MeSH D009386, MONDO:0015356.

Allele frequency attached by ClinVar (database versions not stated): TOPMed 0.00003; gnomAD 0.00005; gnomAD exomes below 0.00001.
gnomAD v4.1: 8 of 1,613,578 alleles (0.0005%); highest among the groups gnomAD compares: African/African-American, 0.011%; no homozygotes.

Submission:

Ambry Genetics
Classification: Uncertain significance for Hereditary cancer-predisposing syndrome. Last evaluated: 2024-05-25. Review status: criteria provided, single submitter. Criteria: Ambry Variant Classification Scheme 2023. Collection method: clinical testing. Allele origin: germline.
Comment: The p.I179V variant (also known as c.535A>G), located in coding exon 1 of the GREM1 gene, results from an A to G substitution at nucleotide position 535. The isoleucine at codon 179 is replaced by valine, an amino acid with highly similar properties. This amino acid position is conserved. In addition, this alteration is predicted to be tolerated by in silico analysis. Since supporting evidence is limited at this time, the clinical significance of this alteration remains unclear.

NM_013372.7(GREM1):c.535A>G (p.Ile179Val)

Gene: GREM1 (gremlin 1, DAN family BMP antagonist; plus strand). Cytogenetic location: 15q13.3.
Variant type: single nucleotide variant.
Coding change: c.535A>G on transcript NM_013372.7 (MANE Select); coding-DNA position 535, A replaced by G.
Protein change: p.Ile179Val; replaces isoleucine 179 with valine.
Molecular consequence: missense variant.
Genome position (GRCh38, 1-based): chr15:32,731,225, A>G. VCF-style: chr15-32731225-A-G. GRCh37 (hg19) VCF-style: chr15-33023426-A-G.
Other names: c.535A>G, p.Ile179Val (NM_001368719.1); c.325A>G, p.Ile109Val (NM_001191322.2); c.412A>G, p.Ile138Val (NM_001191323.2); short protein forms I138V, I109V, I179V.
Identifiers: ClinVar variation 1747047 (VCV001747047.3), dbSNP rs942578260, ClinGen allele CA268513637.